The following is an entry in ClinVar:

NM_004360.5(CDH1):c.829C>T (p.Pro277Ser)

Gene: CDH1 (cadherin 1; plus strand). Cytogenetic location: 16q22.1.
Variant type: single nucleotide variant.
Coding change: c.829C>T on transcript NM_004360.5 (MANE Select); coding-DNA position 829, C replaced by T.
Protein change: p.Pro277Ser; replaces proline 277 with serine.
Molecular consequence: missense variant. On other transcripts: 5 prime UTR variant (2).
Genome position (GRCh38, 1-based): chr16:68,810,338, C>T. VCF-style: chr16-68810338-C-T. GRCh37 (hg19) VCF-style: chr16-68844241-C-T.
Other names: c.829C>T (LRG_301t1, NM_004360.4); c.829C>T, p.Pro277Ser (NM_001317184.2); c.-787C>T (NM_001317185.2); c.-991C>T (NM_001317186.2); short protein forms P277S.
Identifiers: ClinVar variation 220015 (VCV000220015.14), dbSNP rs864622346, ClinGen allele CA348612.

ClinVar aggregate classification (germline): Uncertain significance. Review status: criteria provided, multiple submitters, no conflicts (2 of 4 stars). 3 submissions from 3 submitters: Uncertain significance (3). Last evaluated 2024-08-22.

Conditions:
Hereditary cancer-predisposing syndrome. Also called: Tumor predisposition; Hereditary neoplastic syndrome; Neoplastic Syndromes, Hereditary; Hereditary Cancer Syndrome. Identifiers: Orphanet 140162, MedGen C0027672, MeSH D009386, MONDO:0015356.
Hereditary diffuse gastric adenocarcinoma (HDGC). Also called: DIFFUSE GASTRIC AND LOBULAR BREAST CANCER SYNDROME. Identifiers: Orphanet 26106, MedGen C1708349, MONDO:0007648, OMIM 137215.

Allele frequency attached by ClinVar (database versions not stated): TOPMed below 0.00001.

Submissions (3):

Quest Diagnostics Nichols Institute San Juan Capistrano
Classification: Uncertain significance. Last evaluated: 2024-08-22. Review status: criteria provided, single submitter. Criteria: Quest Diagnostics criteria. Collection method: clinical testing. Allele origin: unknown.
Comment: The CDH1 c.829C>T (p.Pro277Ser) variant has not been reported in individuals with CDH1-related conditions in the published literature. It also has not been reported in large, multi-ethnic general populations (Genome Aggregation Database). Analysis of this variant using bioinformatics tools for the prediction of the effect of amino acid changes on protein structure and function yielded predictions that this variant is damaging. Based on the available information, we are unable to determine the clinical significance of this variant.

Labcorp Genetics (formerly Invitae), Labcorp
Classification: Uncertain significance for Hereditary diffuse gastric adenocarcinoma. Last evaluated: 2023-08-01. Review status: criteria provided, single submitter. Criteria: Invitae Variant Classification Sherloc (09022015). Collection method: clinical testing. Allele origin: germline.
Comment: This variant is not present in population databases (gnomAD no frequency). This sequence change replaces proline, which is neutral and non-polar, with serine, which is neutral and polar, at codon 277 of the CDH1 protein (p.Pro277Ser). This variant has not been reported in the literature in individuals affected with CDH1-related conditions. In summary, the available evidence is currently insufficient to determine the role of this variant in disease. Therefore, it has been classified as a Variant of Uncertain Significance. An algorithm developed to predict the effect of missense changes on protein structure and function (PolyPhen-2) suggests that this variant is likely to be disruptive. ClinVar contains an entry for this variant (Variation ID: 220015).

Ambry Genetics
Classification: Uncertain significance for Hereditary cancer-predisposing syndrome. Last evaluated: 2018-01-30. Review status: criteria provided, single submitter. Criteria: Ambry Variant Classification Scheme 2023. Collection method: clinical testing. Allele origin: germline.
Comment: The p.P277S variant (also known as c.829C>T), located in coding exon 6 of the CDH1 gene, results from a C to T substitution at nucleotide position 829. The proline at codon 277 is replaced by serine, an amino acid with similar properties. This amino acid position is well conserved in available vertebrate species. In addition, this alteration is predicted to be tolerated by in silico analysis. Since supporting evidence is limited at this time, the clinical significance of this alteration remains unclear.